The following is an entry in ClinVar:

ClinVar aggregate classification (germline): Uncertain significance (1 of 4 stars; one submission).

Submission:

Laboratory for Molecular Medicine, Mass General Brigham Personalized Medicine
Classification: Uncertain significance. Last evaluated: 2018-03-07. Review status: criteria provided, single submitter. Criteria: ACMG Guidelines, 2015. Collection method: clinical testing. Allele origin: germline.
Comment: The p.Asn1526fs variant in DSP has not been previously reported in individuals with cardiomyopathy and was absent from large population studies. This variant is predicted to cause a frameshift, which alters the protein’s amino acid sequence beginning at position 1526 and leads to a premature termination codon 3 amino acids downstream. This alteration is located within exon 23 of DSP which undergoes alternative splicing resulting in two isoforms: one with a shorter and one with a longer form of this exon. However, this exon is alternatively spliced and therefore this variant may not affect all transcripts of this gene. In summary, while there is some suspicion for a pathogenic role, the clinical significance of the p.Asn1526fs variant is uncertain.

NM_004415.4(DSP):c.4577del (p.Asn1526fs)

Gene: DSP (desmoplakin; plus strand). Cytogenetic location: 6p24.3.
Variant type: Deletion.
Coding change: c.4577del on transcript NM_004415.4 (MANE Select); coding-DNA position 4577, one base deleted (A; older notation c.4577delA).
Protein change: p.Asn1526fs; shifts the reading frame from asparagine 1526.
Molecular consequence: frameshift variant. On other transcripts: intron variant (2).
Genome position (GRCh38, 1-based): chr6:7,580,767, A deleted; the last of 3 consecutive A bases (chr6:7,580,765-7,580,767); deleting any one gives the same sequence. VCF-style (leftmost placement, unchanged base first): chr6-7580764-TA-T. GRCh37 (hg19) VCF-style: chr6-7580997-TA-T.
Other names: c.4050+527del (NM_001319034.2); c.3582+995del (NM_001008844.3); short protein forms N1526fs.
Identifiers: ClinVar variation 3076043 (VCV003076043.1), dbSNP rs2533929289, ClinGen allele CA913188200.